The following is an entry in ClinVar:

ClinVar aggregate classification (germline): Uncertain significance. Review status: criteria provided, multiple submitters, no conflicts (2 of 4 stars). 2 submissions from 2 submitters: Uncertain significance (2). Last evaluated 2023-09-28.

Allele frequency attached by ClinVar (database versions not stated): gnomAD exomes below 0.00001; gnomAD 0.00001; TOPMed 0.00001.
gnomAD v4.1: 3 of 1,612,486 alleles (0.00019%); highest among the groups gnomAD compares: South Asian, 0.0011%; no homozygotes.

Submissions (2):

Blueprint Genetics
Classification: Uncertain significance. Last evaluated: 2023-09-28. Review status: criteria provided, single submitter. Criteria: ACMG Guidelines, 2015. Collection method: clinical testing. Allele origin: germline.

Labcorp Genetics (formerly Invitae), Labcorp
Classification: Uncertain significance. Last evaluated: 2022-09-15. Review status: criteria provided, single submitter. Criteria: Invitae Variant Classification Sherloc (09022015). Collection method: clinical testing. Allele origin: germline.
Comment: This sequence change replaces valine, which is neutral and non-polar, with isoleucine, which is neutral and non-polar, at codon 200 of the GNB1 protein (p.Val200Ile). This variant is not present in population databases (gnomAD no frequency). This variant has not been reported in the literature in individuals affected with GNB1-related conditions. ClinVar contains an entry for this variant (Variation ID: 1508591). Advanced modeling of protein sequence and biophysical properties (such as structural, functional, and spatial information, amino acid conservation, physicochemical variation, residue mobility, and thermodynamic stability) performed at Invitae indicates that this missense variant is not expected to disrupt GNB1 protein function. In summary, the available evidence is currently insufficient to determine the role of this variant in disease. Therefore, it has been classified as a Variant of Uncertain Significance.

NM_002074.5(GNB1):c.598G>A (p.Val200Ile)

Gene: GNB1 (G protein subunit beta 1; minus strand). Cytogenetic location: 1p36.33.
Variant type: single nucleotide variant.
Coding change: c.598G>A on transcript NM_002074.5 (MANE Select); coding-DNA position 598, G replaced by A.
Protein change: p.Val200Ile; replaces valine 200 with isoleucine.
Molecular consequence: missense variant.
Genome position (GRCh38, 1-based): chr1:1,790,496, C>T on the plus strand (G>A on the coding strand, the complement: GNB1 is on the minus strand). VCF-style: chr1-1790496-C-T. GRCh37 (hg19) VCF-style: chr1-1721935-C-T.
Other names: c.298G>A, p.Val100Ile (NM_001282538.2); c.598G>A, p.Val200Ile (NM_001282539.2); short protein forms V200I, V100I.
Identifiers: ClinVar variation 1508591 (VCV001508591.9), dbSNP rs950679231, ClinGen allele CA16820291.